The following is an entry in ClinVar:

NM_018979.4(WNK1):c.6448+38A>G

Gene: WNK1 (WNK lysine deficient protein kinase 1; plus strand). Cytogenetic location: 12p13.33.
Variant type: single nucleotide variant.
Coding change: c.6448+38A>G on transcript NM_018979.4 (MANE Select); 38 bases into the intron after coding-DNA position 6448, A replaced by G.
Molecular consequence: intron variant.
Genome position (GRCh38, 1-based): chr12:897,719, A>G. VCF-style: chr12-897719-A-G. GRCh37 (hg19) VCF-style: chr12-1006885-A-G.
Other names: c.7204+38A>G (NM_213655.5); c.7228+38A>G (NM_001184985.2); c.5704+38A>G (NM_014823.3).
Identifiers: ClinVar variation 1702721 (VCV001702721.2), dbSNP rs181086146, ClinGen allele CA6383407.

ClinVar aggregate classification (germline): Likely benign (1 of 4 stars; one submission).

Allele frequency attached by ClinVar (database versions not stated): gnomAD 0.00036 and 0.00060; gnomAD exomes 0.00044 and 0.00115; TOPMed 0.00056; ExAC 0.00116; 1000 Genomes Project 30x 0.00297; 1000 Genomes Project 0.00319.
gnomAD v4.1: 751 of 1,600,654 alleles (0.047%); highest among the groups gnomAD compares: East Asian, 1.4%; 6 homozygotes.

Submission:

GeneDx
Classification: Likely benign. Last evaluated: 2022-02-16. Review status: criteria provided, single submitter. Criteria: GeneDx Variant Classification Process June 2021. Collection method: clinical testing. Allele origin: germline. Affected: yes.
Comment: See Variant Classification Assertion Criteria.